The following is an entry in ClinVar:

NM_030962.4(SBF2):c.258T>C (p.Tyr86=)

Gene: SBF2 (SET binding factor 2; minus strand). Cytogenetic location: 11p15.4.
Variant type: single nucleotide variant.
Coding change: c.258T>C on transcript NM_030962.4 (MANE Select); coding-DNA position 258, T replaced by C.
Protein change: p.Tyr86=; no amino-acid change (tyrosine 86 retained).
Molecular consequence: synonymous variant.
Genome position (GRCh38, 1-based): chr11:10,042,865, A>G on the plus strand (T>C on the coding strand, the complement: SBF2 is on the minus strand). VCF-style: chr11-10042865-A-G. GRCh37 (hg19) VCF-style: chr11-10064412-A-G.
Other names: p.Tyr86=; c.258T>C, p.Tyr86= (NM_001386339.1, NM_001386342.1).
Identifiers: ClinVar variation 749394 (VCV000749394.12), dbSNP rs778681306, ClinGen allele CA5882180.

ClinVar aggregate classification (germline): Likely benign. Review status: criteria provided, multiple submitters, no conflicts (2 of 4 stars). 2 submissions from 2 submitters: Likely benign (2). Last evaluated 2025-10-23.

Conditions:
Charcot-Marie-Tooth disease type 4. Also called: Charcot-Marie-Tooth, Type 4; Charcot-Marie-Tooth disease, type IV. Identifiers: Orphanet 64749, MedGen C4082197, MONDO:0018995.

Allele frequency attached by ClinVar (database versions not stated): gnomAD exomes 0.00001 and 0.00002; ExAC 0.00002; gnomAD 0.00003; TOPMed 0.00003.
gnomAD v4.1: 30 of 1,613,948 alleles (0.0019%); highest among the groups gnomAD compares: African/African-American, 0.0027%; no homozygotes.

Submissions (2):

Labcorp Genetics (formerly Invitae), Labcorp
Classification: Likely benign for Charcot-Marie-Tooth disease type 4. Last evaluated: 2025-10-23. Review status: criteria provided, single submitter. Criteria: Invitae Variant Classification Sherloc (09022015). Collection method: clinical testing. Allele origin: germline.

Mayo Clinic Laboratories, Mayo Clinic
Classification: Likely benign. Last evaluated: 2025-07-23. Review status: criteria provided, single submitter. Criteria: ACMG Guidelines, 2015. Collection method: clinical testing. Allele origin: germline. Observed: 1 variant allele.
Comment: BP4, BP7